The following is an entry in ClinVar:

ClinVar aggregate classification (germline): Uncertain significance (1 of 4 stars; one submission).

Allele frequency attached by ClinVar (database versions not stated): gnomAD exomes below 0.00001; TOPMed below 0.00001.
gnomAD v4.1: 1 of 1,614,124 alleles (0.000062%); highest among the groups gnomAD compares: Middle Eastern, 0.017%; no homozygotes.

Submission:

Mayo Clinic Laboratories, Mayo Clinic
Classification: Uncertain significance. Last evaluated: 2022-09-15. Review status: criteria provided, single submitter. Criteria: ACMG Guidelines, 2015. Collection method: clinical testing. Allele origin: germline. Observed: 1 variant allele.
Comment: PM2_supporting

NM_001267550.2(TTN):c.5054G>A (p.Gly1685Asp)

Gene: TTN (titin; minus strand). Cytogenetic location: 2q31.2.
Variant type: single nucleotide variant.
Coding change: c.5054G>A on transcript NM_001267550.2 (MANE Select); coding-DNA position 5054, G replaced by A.
Protein change: p.Gly1685Asp; replaces glycine 1685 with aspartic acid.
Molecular consequence: missense variant.
Genome position (GRCh38, 1-based): chr2:178,776,810, C>T on the plus strand (G>A on the coding strand, the complement: TTN is on the minus strand). VCF-style: chr2-178776810-C-T. GRCh37 (hg19) VCF-style: chr2-179641537-C-T.
Other names: p.Gly1685Asp; c.5054G>A, p.Gly1685Asp (NM_001256850.1, NM_133378.4, NM_133379.5); c.4916G>A, p.Gly1639Asp (NM_003319.4, NM_133432.3, NM_133437.4); short protein forms G1639D, G1685D.
Identifiers: ClinVar variation 2682795 (VCV002682795.1), dbSNP rs2092275311, ClinGen allele CA349457231.